The following is an entry in ClinVar:

NM_001082486.2(ACD):c.545dup (p.Ala184fs)

Gene: ACD (ACD shelterin complex subunit and telomerase recruitment factor; minus strand). Cytogenetic location: 16q22.1.
Variant type: Duplication.
Coding change: c.545dup on transcript NM_001082486.2 (MANE Select); coding-DNA position 545, one base duplicated (A; older notation c.545dupA).
Protein change: p.Ala184fs; shifts the reading frame from alanine 184.
Molecular consequence: frameshift variant.
Genome position (GRCh38, 1-based): chr16:67,659,028, T duplicated on the plus strand (A on the coding strand, the reverse complement: ACD is on the minus strand). VCF-style (leftmost placement, unchanged base first): chr16-67659027-C-CT. GRCh37 (hg19) VCF-style: chr16-67692930-C-CT.
Other names: c.536dup, p.Ala181fs (NM_022914.3); short protein forms A181fs, A184fs.
Identifiers: ClinVar variation 1426430 (VCV001426430.6), dbSNP rs1567641214, ClinGen allele CA623121351.
Genomic context (GRCh38, chr16:67,659,027, plus strand): 5'-GGGTGCTGTGCAAGGGCCCTCCAGTGTCAGGCAGCTTTCAGCCAGGCACACGAGTGCCCC[C>CT]TGATGCTCCTGGTCCTCCCGCATTTCATCCAGAAGCTGGGACAGTGATAGGCCTGGGGAC-3'

ClinVar aggregate classification (germline): Uncertain significance (1 of 4 stars; one submission).

Conditions:
Dyskeratosis congenita, autosomal dominant 6 (DKCA6). Identifiers: Orphanet 3322, MedGen C4225284, MONDO:0014690, OMIM 616553.

Allele frequency attached by ClinVar (database versions not stated): gnomAD exomes below 0.00001 and 0.00002.

Submission:

Labcorp Genetics (formerly Invitae), Labcorp
Classification: Uncertain significance for Dyskeratosis congenita, autosomal dominant 6. Last evaluated: 2024-07-20. Review status: criteria provided, single submitter. Criteria: Invitae Variant Classification Sherloc (09022015). Collection method: clinical testing. Allele origin: germline.
Comment: This sequence change creates a premature translational stop signal (p.Ala270Glyfs*7) in the ACD gene. It is expected to result in an absent or disrupted protein product. However, the current clinical and genetic evidence is not sufficient to establish whether loss-of-function variants in ACD cause disease. This variant is present in population databases (no rsID available, gnomAD 0.006%). This variant has not been reported in the literature in individuals affected with ACD-related conditions. ClinVar contains an entry for this variant (Variation ID: 1426430). In summary, the available evidence is currently insufficient to determine the role of this variant in disease. Therefore, it has been classified as a Variant of Uncertain Significance.